The following is an entry in ClinVar:

NM_000038.6(APC):c.645+4547C>A

Gene: APC (APC regulator of WNT signaling pathway; plus strand). Cytogenetic location: 5q22.2.
Variant type: single nucleotide variant.
Coding change: c.645+4547C>A on transcript NM_000038.6 (MANE Select); 4547 bases into the intron after coding-DNA position 645, C replaced by A.
Molecular consequence: intron variant.
Genome position (GRCh38, 1-based): chr5:112,785,450, C>A. VCF-style: chr5-112785450-C-A. GRCh37 (hg19) VCF-style: chr5-112121147-C-A.
Other names: c.645+4547C>A (NM_001354895.2, NM_001127510.3, NM_001354896.2 and 2 more transcripts); c.675+4547C>A (NM_001354897.2, NM_001354902.2, NM_001127511.3); c.570+4547C>A (NM_001354898.2, NM_001354904.2); c.-391+4547C>A (NM_001354906.2); c.468+4547C>A (NM_001354900.2, NM_001354901.2, NM_001354905.2).
Identifiers: ClinVar variation 82963 (VCV000082963.2), dbSNP rs75710483, ClinGen allele CA011521.

ClinVar aggregate classification (germline): other (0 of 4 stars; one submission).

Conditions:
Familial colorectal cancer. Identifiers: MedGen CN280943, MONDO:0023113. Disease mechanism: loss of function.

Submission:

Systems Biology Platform Zhejiang California International NanoSystems Institute
Classification: other for Familial colorectal cancer. Review status: no assertion criteria provided. Collection method: not provided. Allele origin: unknown.
ClinVar note: Converted during submission from cancer to other.